The following is an entry in ClinVar:

NM_003172.4(SURF1):c.815_825dup (p.Val276fs)

Gene: SURF1 (SURF1 cytochrome c oxidase assembly factor; minus strand). Cytogenetic location: 9q34.2.
Variant type: Duplication.
Coding change: c.815_825dup on transcript NM_003172.4 (MANE Select); coding-DNA positions 815 to 825, 11 bases duplicated (TGCAGTACATC).
Protein change: p.Val276fs; shifts the reading frame from valine 276.
Molecular consequence: frameshift variant.
Genome position (GRCh38, 1-based): chr9:133,352,069-133,352,079, GATGTACTGCA duplicated on the plus strand (TGCAGTACATC on the coding strand, the reverse complement: SURF1 is on the minus strand); duplicating any 11 consecutive bases within chr9:133,352,069-133,352,083 gives the same sequence; the c. name uses the placement nearest the transcript's 3' end. VCF-style (leftmost placement, unchanged base first): chr9-133352068-C-CGATGTACTGCA. GRCh37 (hg19) VCF-style: chr9-136218923-C-CGATGTACTGCA.
Other names: c.488_498dup, p.Val167fs (NM_001280787.1); short protein forms V276fs, V167fs.
Identifiers: ClinVar variation 944915 (VCV000944915.9), dbSNP rs1220688120, ClinGen allele CA860707038.

ClinVar aggregate classification (germline): Pathogenic (1 of 4 stars; one submission).

Conditions:
Leigh syndrome (NULS). Also called: Leigh's necrotizing encephalopathy; Leigh's disease; LEIGH SYNDROME, NUCLEAR; Leigh's syndrome; Leigh Disease; Leigh Syndrome (mtDNA deletion). Identifiers: Orphanet 506, MedGen C2931891, MONDO:0009723, OMIM 256000.

Submission:

Labcorp Genetics (formerly Invitae), Labcorp
Classification: Pathogenic for Leigh syndrome. Last evaluated: 2025-12-11. Review status: criteria provided, single submitter. Criteria: Invitae Variant Classification Sherloc (09022015). Collection method: clinical testing. Allele origin: germline.
Comment: This sequence change creates a premature translational stop signal (p.Val276Cysfs*5) in the SURF1 gene. While this is not anticipated to result in nonsense mediated decay, it is expected to disrupt the last 25 amino acid(s) of the SURF1 protein. This variant is present in population databases (no rsID available, gnomAD 0.01%). This variant has not been reported in the literature in individuals affected with SURF1-related conditions. ClinVar contains an entry for this variant (Variation ID: 944915). This variant disrupts a region of the SURF1 protein in which other variant(s) (p.Ser282Cysfs*9) have been determined to be pathogenic (PMID: 9837813, 16326995, 18583168, 22488715, 23829769). This suggests that this is a clinically significant region of the protein, and that variants that disrupt it are likely to be disease-causing. For these reasons, this variant has been classified as Pathogenic.

Literature cited by the submitters: PubMed 9837813; PubMed 16326995; PubMed 18583168; PubMed 22488715; PubMed 23829769.